The following is an entry in ClinVar:

NM_006277.3(ITSN2):c.2856G>C (p.Lys952Asn)

Gene: ITSN2 (intersectin 2; minus strand). Cytogenetic location: 2p23.3.
Variant type: single nucleotide variant.
Coding change: c.2856G>C on transcript NM_006277.3 (MANE Select); coding-DNA position 2856, G replaced by C.
Protein change: p.Lys952Asn; replaces lysine 952 with asparagine.
Molecular consequence: missense variant.
Genome position (GRCh38, 1-based): chr2:24,257,920, C>G on the plus strand (G>C on the coding strand, the complement: ITSN2 is on the minus strand). VCF-style: chr2-24257920-C-G. GRCh37 (hg19) VCF-style: chr2-24480789-C-G.
Other names: c.2814G>C, p.Lys938Asn (NM_001348181.2); c.2736G>C, p.Lys912Asn (NM_001348182.2, NM_001348186.2); c.2775G>C, p.Lys925Asn (NM_001348183.2, NM_019595.4); c.2733G>C, p.Lys911Asn (NM_001348184.2); c.2817G>C, p.Lys939Asn (NM_001348185.2); c.2856G>C, p.Lys952Asn (NM_147152.3); short protein forms K939N, K952N, K912N, K925N, K938N, K911N.
Identifiers: ClinVar variation 2706955 (VCV002706955.3), dbSNP rs2466208162, ClinGen allele CA346021780.
Genomic context (GRCh38, chr2:24,257,920, plus strand): 5'-TCTCATGAAAACACATAAAGATGCTTACTCTTCCCGTTTTACTTCACTCCCAGGAATGAT[C>G]TTGACATAAGATTTGGGAAACCATCCTCTTCCTCCATGCACCTCCCCAAACCACCAATTT-3'
Protein context (NP_006268.2, residues 942-962): GRGWFPKSYV[Lys952Asn]IIPGSEVKRE

ClinVar aggregate classification (germline): Uncertain significance (1 of 4 stars; one submission).

Submission:

Labcorp Genetics (formerly Invitae), Labcorp
Classification: Uncertain significance. Last evaluated: 2024-06-24. Review status: criteria provided, single submitter. Criteria: Invitae Variant Classification Sherloc (09022015). Collection method: clinical testing. Allele origin: germline.
Comment: This sequence change replaces lysine, which is basic and polar, with asparagine, which is neutral and polar, at codon 952 of the ITSN2 protein (p.Lys952Asn). This variant is not present in population databases (gnomAD no frequency). This variant has not been reported in the literature in individuals affected with ITSN2-related conditions. Experimental studies and prediction algorithms are not available or were not evaluated, and the functional significance of this variant is currently unknown. In summary, the available evidence is currently insufficient to determine the role of this variant in disease. Therefore, it has been classified as a Variant of Uncertain Significance.